The following is an entry in ClinVar:

NM_000136.3(FANCC):c.1566C>G (p.Ile522Met)

Genes: AOPEP (aminopeptidase O (putative); plus strand), FANCC (FA complementation group C; minus strand). Cytogenetic location: 9q22.32.
Variant type: single nucleotide variant.
Coding change: c.1566C>G on transcript NM_000136.3 (MANE Select); coding-DNA position 1566, C replaced by G.
Protein change: p.Ile522Met; replaces isoleucine 522 with methionine.
Molecular consequence: missense variant.
Genome position (GRCh38, 1-based): chr9:95,101,818, G>C on the plus strand (C>G on the coding strand, the complement: FANCC is on the minus strand). VCF-style: chr9-95101818-G-C. GRCh37 (hg19) VCF-style: chr9-97864100-G-C.
Other names: c.1566C>G, p.Ile522Met (NM_001243743.2); short protein forms I522M.
Identifiers: ClinVar variation 1775371 (VCV001775371.2), dbSNP rs2540750596, ClinGen allele CA374104712.
Genomic context (GRCh38, chr9:95,101,818, plus strand): 5'-TCTAGGGCTTTCAATGCCAAGACGATTCCATCTGTACAAGGTCTGGTCAAGAAAGCCAAT[G>C]ATCTCGTGAGTTATCTCAGCAGTGTGAGCCATCTGCAATCAGGACAGAAGAGAAGGCAAA-3'
Protein context (NP_000127.2, residues 512-532): MAHTAEITHE[Ile522Met]IGFLDQTLYR

ClinVar aggregate classification (germline): Uncertain significance (1 of 4 stars; one submission).

Conditions:
Hereditary cancer-predisposing syndrome. Also called: Hereditary Cancer Syndrome; Hereditary neoplastic syndrome; Neoplastic Syndromes, Hereditary; Tumor predisposition. Identifiers: Orphanet 140162, MedGen C0027672, MeSH D009386, MONDO:0015356.

Submission:

Ambry Genetics
Classification: Uncertain significance for Hereditary cancer-predisposing syndrome. Last evaluated: 2022-09-03. Review status: criteria provided, single submitter. Criteria: Ambry Variant Classification Scheme 2023. Collection method: clinical testing. Allele origin: germline.
Comment: The p.I522M variant (also known as c.1566C>G), located in coding exon 14 of the FANCC gene, results from a C to G substitution at nucleotide position 1566. The isoleucine at codon 522 is replaced by methionine, an amino acid with highly similar properties. This amino acid position is conserved. In addition, this alteration is predicted to be tolerated by in silico analysis. Since supporting evidence is limited at this time, the clinical significance of this alteration remains unclear.